The following is an entry in ClinVar:

NM_000419.5(ITGA2B):c.89G>A (p.Trp30Ter)

Gene: ITGA2B (integrin subunit alpha 2b; minus strand). Cytogenetic location: 17q21.31.
Variant type: single nucleotide variant.
Coding change: c.89G>A on transcript NM_000419.5 (MANE Select); coding-DNA position 89, G replaced by A.
Protein change: p.Trp30Ter; replaces tryptophan 30 with a stop codon.
Molecular consequence: nonsense.
Genome position (GRCh38, 1-based): chr17:44,389,385, C>T on the plus strand (G>A on the coding strand, the complement: ITGA2B is on the minus strand). VCF-style: chr17-44389385-C-T. GRCh37 (hg19) VCF-style: chr17-42466753-C-T.
Other names: NM_000419.5(ITGA2B):c.89G>A; p.Trp30Ter; c.89G>A (LRG_479t1); short protein forms W30*.
Identifiers: ClinVar variation 430539 (VCV000430539.6), dbSNP rs1131692013, ClinGen allele CA399806969.
Genomic context (GRCh38, chr17:44,389,385, plus strand): 5'-AACTGGCTGCCATTGGGGCCTGCATAGAAGGTGAGCTGCACTGGGTCCAGGTTCAAGGCC[C>T]AGGCTGGAGGGGCAGCACAAGGTCCCAAGAGCAGCAGCACCCACTCCAGAAGCCAGAGGG-3'

ClinVar aggregate classification (germline): Uncertain significance. Review status: reviewed by expert panel (3 of 4 stars). 2 submissions from 2 submitters: Uncertain significance (1). 1 of the submissions does not count toward it. Last evaluated 2025-05-01.

Conditions:
Glanzmann thrombasthenia. Also called: BLEEDING DISORDER, PLATELET-TYPE, 2; THROMBASTHENIA OF GLANZMANN AND NAEGELI; PLATELET GLYCOPROTEIN IIb-IIIa DEFICIENCY; Glanzmann's thrombasthenia; Thrombasthenia. Identifiers: Orphanet 849, MedGen C0040015, MONDO:0100326.

Submissions (2):

ClinGen Platelet Disorders Variant Curation Expert Panel, ClinGen
Classification: Uncertain significance for Glanzmann thrombasthenia. Last evaluated: 2025-05-01. Review status: reviewed by expert panel. Criteria: ClinGen Platelet ACMG Specifications v2-1. Collection method: curation. Allele origin: germline. Inheritance: Autosomal recessive inheritance.
Comment: The NM_000419.5:c.89G>A (p.Trp30Ter) variant in exon 1 is a nonsense variant predicted to cause a premature stop codon in biologically-relevant-exon 1/30. NMD is not predicted based on PMID: 21389146 reporting that NMD is not triggered by termination codons within exon 1/ first 100 nucleotides. Therefore, PVS1 is downgraded to PVS1_Moderate. The Trp30Ter nonsense variant has not been reported in patients with GT in the literature, to the best of our knowledge. This variant is absent from gnomAD v4.1 (PM2_Supporting). In summary, the significance of this variant for autosomal recessive Glanzmann Thrombasthenia is uncertain based on the ACMG/AMP criteria applied, as specified by the ClinGen PD VCEP: PVS1_Moderate, PM2_Supproting. (VCEP specifications version 2)

GeneDx
Classification: Likely pathogenic. Last evaluated: 2017-05-31. Review status: criteria provided, single submitter. Criteria: GeneDx Variant Classification (06012015). Collection method: clinical testing. Allele origin: germline. Affected: yes. Not counted in ClinVar's aggregate classification.
Comment: The W30X variant in the ITGA2B gene has not been reported previously as a pathogenic variant, nor as a benign variant, to our knowledge. This variant is predicted to cause loss of normal protein function either through protein truncation or nonsense-mediated mRNA decay. The W30X variant is not observed in large population cohorts (Lek et al., 2016; 1000 Genomes Consortium et al., 2015; Exome Variant Server). We interpret W30X as a likely pathogenic variant.